The following is an entry in ClinVar:

NM_000159.4(GCDH):c.334G>T (p.Gly112Ter)

Gene: GCDH (glutaryl-CoA dehydrogenase; plus strand). Cytogenetic location: 19p13.13.
Variant type: single nucleotide variant.
Coding change: c.334G>T on transcript NM_000159.4 (MANE Select); coding-DNA position 334, G replaced by T.
Protein change: p.Gly112Ter; replaces glycine 112 with a stop codon.
Molecular consequence: nonsense. On other transcripts: non-coding transcript variant (1).
Genome position (GRCh38, 1-based): chr19:12,892,178, G>T. VCF-style: chr19-12892178-G-T. GRCh37 (hg19) VCF-style: chr19-13002992-G-T.
Other names: c.334G>T, p.Gly112Ter (NM_013976.5); short protein forms G112*.
Identifiers: ClinVar variation 554548 (VCV000554548.8), dbSNP rs758137643, ClinGen allele CA404316147.

ClinVar aggregate classification (germline): Pathogenic. Review status: criteria provided, single submitter (1 of 4 stars). 2 submissions from 2 submitters: Pathogenic (1). 1 of the submissions does not count toward it. Last evaluated 2022-08-09.

Conditions:
Glutaric aciduria, type 1. Also called: Glutaric Acidemia Type 1; Glutaricacidemia Type 1; GA I; Glutaryl-CoA dehydrogenase deficiency; Glutaric acidemia type I; Glutaricaciduria, type I. Identifiers: Orphanet 25, MedGen C0268595, MONDO:0009281, OMIM 231670.

gnomAD v4.1: 12 of 1,613,416 alleles (0.00074%); highest among the groups gnomAD compares: Non-Finnish European, 0.001%; no homozygotes.

Submissions (2):

Labcorp Genetics (formerly Invitae), Labcorp
Classification: Pathogenic for Glutaric aciduria, type 1. Last evaluated: 2022-08-09. Review status: criteria provided, single submitter. Criteria: Invitae Variant Classification Sherloc (09022015). Collection method: clinical testing. Allele origin: germline.
Comment: This sequence change creates a premature translational stop signal (p.Gly112*) in the GCDH gene. It is expected to result in an absent or disrupted protein product. Loss-of-function variants in GCDH are known to be pathogenic (PMID: 10699052, 11854167, 16602100). This variant is not present in population databases (gnomAD no frequency). For these reasons, this variant has been classified as Pathogenic. Algorithms developed to predict the effect of sequence changes on RNA splicing suggest that this variant may disrupt the consensus splice site. ClinVar contains an entry for this variant (Variation ID: 554548). This premature translational stop signal has been observed in individual(s) with glutaric acidemia type I (PMID: 26656312).

Counsyl
Classification: Likely pathogenic for Glutaric aciduria, type 1. Last evaluated: 2017-10-25. Review status: no assertion criteria provided. Collection method: clinical testing. Allele origin: unknown. Not counted in ClinVar's aggregate classification.

Literature cited by the submitters: PubMed 10699052 (cited by Labcorp Genetics (formerly Invitae), Labcorp); PubMed 11854167 (cited by Labcorp Genetics (formerly Invitae), Labcorp); PubMed 16602100 (cited by Labcorp Genetics (formerly Invitae), Labcorp); PubMed 26656312 (cited by Labcorp Genetics (formerly Invitae), Labcorp and Counsyl).